The following is an entry in ClinVar:

ClinVar aggregate classification (germline): Uncertain significance (1 of 4 stars; one submission).

gnomAD v4.1: 1 of 1,613,030 alleles (0.000062%); highest among the groups gnomAD compares: African/African-American, 0.0013%; no homozygotes.

Submission:

Labcorp Genetics (formerly Invitae), Labcorp
Classification: Uncertain significance. Last evaluated: 2021-05-18. Review status: criteria provided, single submitter. Criteria: Invitae Variant Classification Sherloc (09022015). Collection method: clinical testing. Allele origin: germline.
Comment: In summary, the available evidence is currently insufficient to determine the role of this variant in disease. Therefore, it has been classified as a Variant of Uncertain Significance. Algorithms developed to predict the effect of missense changes on protein structure and function (SIFT, PolyPhen-2, Align-GVGD) all suggest that this variant is likely to be disruptive, but these predictions have not been confirmed by published functional studies and their clinical significance is uncertain. This variant has not been reported in the literature in individuals with C2-related conditions. This variant is not present in population databases (ExAC no frequency). This sequence change replaces phenylalanine with serine at codon 692 of the C2 protein (p.Phe692Ser). The phenylalanine residue is highly conserved and there is a large physicochemical difference between phenylalanine and serine.

NM_000063.6(C2):c.2075T>C (p.Phe692Ser)

Gene: C2 (complement C2; plus strand). Cytogenetic location: 6p21.33.
Variant type: single nucleotide variant.
Coding change: c.2075T>C on transcript NM_000063.6 (MANE Select); coding-DNA position 2075, T replaced by C.
Protein change: p.Phe692Ser; replaces phenylalanine 692 with serine.
Molecular consequence: missense variant.
Genome position (GRCh38, 1-based): chr6:31,945,025, T>C. VCF-style: chr6-31945025-T-C. GRCh37 (hg19) VCF-style: chr6-31912802-T-C.
Other names: c.1679T>C, p.Phe560Ser (NM_001145903.3); c.1433T>C, p.Phe478Ser (NM_001178063.3); c.1337T>C, p.Phe446Ser (NM_001282457.2); c.1988T>C, p.Phe663Ser (NM_001282458.2); short protein forms F663S, F692S, F478S, F560S, F446S.
Identifiers: ClinVar variation 1466977 (VCV001466977.8), dbSNP rs2151776206, ClinGen allele CA363384869.
Genomic context (GRCh38, chr6:31,945,025, plus strand): 5'-ACCCTTTGCTGGCAGGAGAATCTGGGGGAGCAGTTTTCCTTGAGCGGAGATTCAGGTTTT[T>C]TCAGGTGAGAAGGTAGAAGCTTGCAGGACCCAGGGGTTACAGGATCTCAGCCTTGTTGGG-3'
Protein context (NP_000054.2, residues 682-702): AVFLERRFRF[Phe692Ser]QVGLVSWGLY